The following is an entry in ClinVar:

ClinVar aggregate classification (germline): Pathogenic. Review status: criteria provided, multiple submitters, no conflicts (2 of 4 stars). 3 submissions from 3 submitters: Pathogenic (2). 1 of the submissions does not count toward it. Last evaluated 2025-03-27.

Conditions:
Achromatopsia. Also called: Rod monochromatism. Identifiers: Orphanet 49382, MedGen C0152200, MONDO:0018852, HP:0011516.
Achromatopsia 3 (ACHM3). Also called: TOTAL COLORBLINDNESS WITH MYOPIA; ROD MONOCHROMACY 1; ROD MONOCHROMATISM 1; PINGELAPESE BLINDNESS; ACHROMATOPSIA WITH MYOPIA. Identifiers: Orphanet 49382, MedGen C1849792, MONDO:0009875, OMIM 262300.

Allele frequency attached by ClinVar (database versions not stated): gnomAD exomes 0.00001.

Submissions (3):

Natera, Inc.
Classification: Pathogenic for Achromatopsia. Last evaluated: 2025-03-27. Review status: criteria provided, single submitter. Criteria: Natera Variant Classification Schema (03/2026). Collection method: clinical testing. Allele origin: germline.
Comment: The c.190del variant in CNGB3 is a frameshift variant predicted to shift the reading frame beginning at codon 64 and leads to a stop codon 19 codons downstream. This variant is expected to result in nonsense mediated decay, truncation, or a dysfunctional protein product. This variant is rare in the general population with a frequency below the threshold expected for the associated phenotype(s). This variant has been observed in one or more individuals affected with the associated recessive disease, as either homozygous or compound heterozygous with a second variant (PMID: 28341476). Given the available evidence, this variant is classified as Pathogenic.

Genomics England Pilot Project, Genomics England
Classification: Pathogenic for Achromatopsia 3. Review status: criteria provided, single submitter. Criteria: ACGS Guidelines, 2016. Collection method: clinical testing. Allele origin: germline. Affected: yes.

Molecular Genetics Laboratory, Institute for Ophthalmic Research
Classification: Pathogenic for ACHM3. Last evaluated: 2017-03-27. Review status: no assertion criteria provided. Collection method: research. Allele origin: unknown. Affected: yes. Not counted in ClinVar's aggregate classification.

Literature cited by the submitters: PubMed 28341476 (cited by Natera, Inc.); PubMed 28795510 (cited by Molecular Genetics Laboratory, Institute for Ophthalmic Research).

NM_019098.5(CNGB3):c.190del (p.Glu64fs)

Gene: CNGB3 (cyclic nucleotide gated channel subunit beta 3; minus strand). Cytogenetic location: 8q21.3.
Variant type: Deletion.
Coding change: c.190del on transcript NM_019098.5 (MANE Select); coding-DNA position 190, one base deleted (G; older notation c.190delG).
Protein change: p.Glu64fs; shifts the reading frame from glutamic acid 64.
Molecular consequence: frameshift variant.
Genome position (GRCh38, 1-based): chr8:86,739,676, C deleted on the plus strand (G on the coding strand, the reverse complement: CNGB3 is on the minus strand). VCF-style (leftmost placement, unchanged base first): chr8-86739675-TC-T. GRCh37 (hg19) VCF-style: chr8-87751903-TC-T.
Other names: c.190del (NM_019098.4); c.190delG (NM_019098.4); short protein forms E64fs.
Identifiers: ClinVar variation 427646 (VCV000427646.5), dbSNP rs1554619292, ClinGen allele CA645372472.
Genomic context (GRCh38, chr8:86,739,675, plus strand): 5'-TTTTAGTTTTTTTTTTTTTTTTTTCAGACTGCATTCTGACCTTGTATGTTGGTGTGTGGC[TC>T]TTCAGACGTGACTGGAGTTGACTTGGTTTTGAGAGATTTCTCTTCACCTTTGTTTTCTTC-3'